The following is an entry in ClinVar:

NM_001270508.2(TNFAIP3):c.1148T>G (p.Met383Arg)

Gene: TNFAIP3 (TNF alpha induced protein 3; plus strand). Cytogenetic location: 6q23.3.
Variant type: single nucleotide variant.
Coding change: c.1148T>G on transcript NM_001270508.2 (MANE Select); coding-DNA position 1148, T replaced by G.
Protein change: p.Met383Arg; replaces methionine 383 with arginine.
Molecular consequence: missense variant.
Genome position (GRCh38, 1-based): chr6:137,878,593, T>G. VCF-style: chr6-137878593-T-G. GRCh37 (hg19) VCF-style: chr6-138199730-T-G.
Other names: c.1148T>G, p.Met383Arg (NM_001270507.2, NM_006290.4); c.1148T>G (NM_006290.3); short protein forms M383R.
Identifiers: ClinVar variation 1375744 (VCV001375744.7), dbSNP rs1289146384, ClinGen allele CA365788751.
Genomic context (GRCh38, chr6:137,878,593, plus strand): 5'-GGAGGAGAGAGGGGCACGCCCAGAATCCCATGGAACCTTCCGTGCCCCAGCTTTCTCTCA[T>G]GGATGTAAAATGTGAAACGCCCAACTGCCCCTTCTTCATGTCTGTGAACACCCAGCCTTT-3'
Protein context (NP_001257437.1, residues 373-393): MEPSVPQLSL[Met383Arg]DVKCETPNCP

ClinVar aggregate classification (germline): Uncertain significance. Review status: criteria provided, multiple submitters, no conflicts (2 of 4 stars). 2 submissions from 2 submitters: Uncertain significance (2). Last evaluated 2024-01-10.

gnomAD v4.1: 2 of 1,614,204 alleles (0.00012%); highest among the groups gnomAD compares: South Asian, 0.0011%; no homozygotes.

Submissions (2):

GeneDx
Classification: Uncertain significance. Last evaluated: 2024-01-10. Review status: criteria provided, single submitter. Criteria: GeneDx Variant Classification Process June 2021. Collection method: clinical testing. Allele origin: germline. Affected: yes.
Comment: Not observed at significant frequency in large population cohorts (gnomAD); In silico analysis supports that this missense variant does not alter protein structure/function; Has not been previously published as pathogenic or benign to our knowledge

Labcorp Genetics (formerly Invitae), Labcorp
Classification: Uncertain significance. Last evaluated: 2022-07-30. Review status: criteria provided, single submitter. Criteria: Invitae Variant Classification Sherloc (09022015). Collection method: clinical testing. Allele origin: germline.
Comment: This variant is not present in population databases (gnomAD no frequency). In summary, the available evidence is currently insufficient to determine the role of this variant in disease. Therefore, it has been classified as a Variant of Uncertain Significance. Algorithms developed to predict the effect of sequence changes on RNA splicing suggest that this variant may create or strengthen a splice site. Algorithms developed to predict the effect of missense changes on protein structure and function are either unavailable or do not agree on the potential impact of this missense change (SIFT: "Deleterious"; PolyPhen-2: "Possibly Damaging"; Align-GVGD: "Class C0"). ClinVar contains an entry for this variant (Variation ID: 1375744). This variant has not been reported in the literature in individuals affected with TNFAIP3-related conditions. This sequence change replaces methionine, which is neutral and non-polar, with arginine, which is basic and polar, at codon 383 of the TNFAIP3 protein (p.Met383Arg).